The following is an entry in ClinVar:

NM_021620.4(PRDM13):c.2084G>C (p.Ser695Thr)

Gene: PRDM13 (PR/SET domain 13; plus strand). Cytogenetic location: 6q16.2.
Variant type: single nucleotide variant.
Coding change: c.2084G>C on transcript NM_021620.4 (MANE Select); coding-DNA position 2084, G replaced by C.
Protein change: p.Ser695Thr; replaces serine 695 with threonine.
Molecular consequence: missense variant.
Genome position (GRCh38, 1-based): chr6:99,614,719, G>C. VCF-style: chr6-99614719-G-C. GRCh37 (hg19) VCF-style: chr6-100062595-G-C.
Other names: short protein forms S695T.
Identifiers: ClinVar variation 1057771 (VCV001057771.9), dbSNP rs2114501882, ClinGen allele CA365122800.

ClinVar aggregate classification (germline): Uncertain significance (1 of 4 stars; one submission).

Allele frequency attached by ClinVar (database versions not stated): gnomAD exomes below 0.00001.
gnomAD v4.1: 1 of 1,594,166 alleles (0.000063%); highest among the groups gnomAD compares: Non-Finnish European, 0.000085%; no homozygotes.

Submission:

Labcorp Genetics (formerly Invitae), Labcorp
Classification: Uncertain significance. Last evaluated: 2020-02-22. Review status: criteria provided, single submitter. Criteria: Invitae Variant Classification Sherloc (09022015). Collection method: clinical testing. Allele origin: germline.
Comment: This sequence change replaces serine with threonine at codon 695 of the PRDM13 protein (p.Ser695Thr). The serine residue is highly conserved and there is a small physicochemical difference between serine and threonine. This variant is not present in population databases (ExAC no frequency). This variant has not been reported in the literature in individuals with PRDM13-related conditions. Algorithms developed to predict the effect of missense changes on protein structure and function (SIFT, PolyPhen-2, Align-GVGD) all suggest that this variant is likely to be disruptive, but these predictions have not been confirmed by published functional studies and their clinical significance is uncertain. In summary, the available evidence is currently insufficient to determine the role of this variant in disease. Therefore, it has been classified as a Variant of Uncertain Significance.